The following is an entry in ClinVar:

ClinVar aggregate classification (germline): Uncertain significance. Review status: criteria provided, multiple submitters, no conflicts (2 of 4 stars). 2 submissions from 2 submitters: Uncertain significance (2). Last evaluated 2026-08-13.

Conditions:
Inborn genetic diseases. Identifiers: MedGen C0950123, MeSH D030342.

Allele frequency attached by ClinVar (database versions not stated): ExAC 0.00005; ESP Exome Variant Server 0.00023; TOPMed 0.00005.
gnomAD v4.1: 145 of 1,613,996 alleles (0.009%); highest among the groups gnomAD compares: Non-Finnish European, 0.011%; no homozygotes.

Submissions (2):

Ambry Genetics
Classification: Uncertain significance for Inborn genetic diseases. Last evaluated: 2026-08-13. Review status: criteria provided, single submitter. Criteria: Ambry Variant Classification Scheme 2023. Collection method: clinical testing. Allele origin: germline.
Comment: The c.2939A>G (p.Y980C) alteration is located in exon 13 (coding exon 13) of the LRP6 gene. This alteration results from a A to G substitution at nucleotide position 2939, causing the tyrosine (Y) at amino acid position 980 to be replaced by a cysteine (C). Based on data from gnomAD, the G allele has an overall frequency of 0.006% (17/282788) total alleles studied. The highest observed frequency was 0.028% (2/7222) of Other alleles. Based on insufficient or conflicting evidence, the clinical significance of this alteration remains unclear.

Labcorp Genetics (formerly Invitae), Labcorp
Classification: Uncertain significance. Last evaluated: 2024-02-22. Review status: criteria provided, single submitter. Criteria: Invitae Variant Classification Sherloc (09022015). Collection method: clinical testing. Allele origin: germline.
Comment: This sequence change replaces tyrosine, which is neutral and polar, with cysteine, which is neutral and slightly polar, at codon 980 of the LRP6 protein (p.Tyr980Cys). This variant is present in population databases (rs375132066, gnomAD 0.009%). This variant has not been reported in the literature in individuals affected with LRP6-related conditions. ClinVar contains an entry for this variant (Variation ID: 2057892). Advanced modeling of protein sequence and biophysical properties (such as structural, functional, and spatial information, amino acid conservation, physicochemical variation, residue mobility, and thermodynamic stability) performed at Invitae indicates that this missense variant is expected to disrupt LRP6 protein function with a positive predictive value of 80%. In summary, the available evidence is currently insufficient to determine the role of this variant in disease. Therefore, it has been classified as a Variant of Uncertain Significance.

NM_002336.3(LRP6):c.2939A>G (p.Tyr980Cys)

Gene: LRP6 (LDL receptor related protein 6; minus strand). Cytogenetic location: 12p13.2.
Variant type: single nucleotide variant.
Coding change: c.2939A>G on transcript NM_002336.3 (MANE Select); coding-DNA position 2939, A replaced by G.
Protein change: p.Tyr980Cys; replaces tyrosine 980 with cysteine.
Molecular consequence: missense variant.
Genome position (GRCh38, 1-based): chr12:12,150,891, T>C on the plus strand (A>G on the coding strand, the complement: LRP6 is on the minus strand). VCF-style: chr12-12150891-T-C. GRCh37 (hg19) VCF-style: chr12-12303825-T-C.
Other names: c.2939A>G, p.Tyr980Cys (NM_001414244.1, NM_001414245.1, NM_001414246.1 and 4 more transcripts); c.2741A>G, p.Tyr914Cys (NM_001414247.1); c.2486A>G, p.Tyr829Cys (NM_001414252.1, NM_001414253.1, NM_001414254.1); c.2432A>G, p.Tyr811Cys (NM_001414255.1); c.2939A>G (NM_002336.2); short protein forms Y811C, Y914C, Y829C, Y980C.
Identifiers: ClinVar variation 2057892 (VCV002057892.4), dbSNP rs375132066, ClinGen allele CA232989125.
Genomic context (GRCh38, chr12:12,150,891, plus strand): 5'-ATTACCTGGCTGCCATCTTCTTGTGCCTTTCGGATCATGTTTTGTCGTGAGTCAATCCAA[T>C]AGAGTTGCTTGTCCAGTGGGTCATAGTCAATGGCCCGGACATTCCGAAGGCTGTGGATGG-3'
Protein context (NP_002327.2, residues 970-990): IDYDPLDKQL[Tyr980Cys]WIDSRQNMIR